The following is an entry in ClinVar:

NM_004186.5(SEMA3F):c.2153C>T (p.Pro718Leu)

Gene: SEMA3F (semaphorin 3F; plus strand). Cytogenetic location: 3p21.31.
Variant type: single nucleotide variant.
Coding change: c.2153C>T on transcript NM_004186.5 (MANE Select); coding-DNA position 2153, C replaced by T.
Protein change: p.Pro718Leu; replaces proline 718 with leucine.
Molecular consequence: missense variant.
Genome position (GRCh38, 1-based): chr3:50,187,910, C>T. VCF-style: chr3-50187910-C-T. GRCh37 (hg19) VCF-style: chr3-50225343-C-T.
Other names: c.2153C>T (NM_004186.3); c.1856C>T, p.Pro619Leu (NM_001318798.2); c.2060C>T, p.Pro687Leu (NM_001318800.2); short protein forms P619L, P687L, P718L.
Identifiers: ClinVar variation 3037010 (VCV003037010.3), dbSNP rs1244449329, ClinGen allele CA352904402.

ClinVar aggregate classification (germline): Uncertain significance. Review status: criteria provided, single submitter (1 of 4 stars). 2 submissions from 2 submitters: Uncertain significance (1). 1 of the submissions does not count toward it. Last evaluated 2025-09-05.

Conditions:
SEMA3F-related disorder. Also called: SEMA3F-related condition.

Allele frequency attached by ClinVar (database versions not stated): gnomAD 0.00001; gnomAD exomes 0.00001; TOPMed 0.00002.
gnomAD v4.1: 5 of 1,608,714 alleles (0.00031%); highest among the groups gnomAD compares: Admixed American, 0.005%; no homozygotes.

Submissions (2):

Ambry Genetics
Classification: Uncertain significance. Last evaluated: 2025-09-05. Review status: criteria provided, single submitter. Criteria: Ambry Variant Classification Scheme 2023. Collection method: clinical testing. Allele origin: germline.

PreventionGenetics, part of Exact Sciences
Classification: Uncertain significance for SEMA3F-related condition. Last evaluated: 2024-01-08. Review status: no assertion criteria provided. Collection method: clinical testing. Allele origin: germline. Not counted in ClinVar's aggregate classification.
Comment: The SEMA3F c.2153C>T variant is predicted to result in the amino acid substitution p.Pro718Leu. To our knowledge, this variant has not been reported in the literature. This variant is reported in 0.0033% of alleles in individuals of South Asian descent in gnomAD. At this time, the clinical significance of this variant is uncertain due to the absence of conclusive functional and genetic evidence.